The following is an entry in ClinVar:

NM_024675.4(PALB2):c.338del (p.Pro113fs)

Gene: PALB2 (partner and localizer of BRCA2; minus strand). Cytogenetic location: 16p12.2.
Variant type: Deletion.
Coding change: c.338del on transcript NM_024675.4 (MANE Select); coding-DNA position 338, one base deleted (C; older notation c.338delC).
Protein change: p.Pro113fs; shifts the reading frame from proline 113.
Molecular consequence: frameshift variant.
Genome position (GRCh38, 1-based): chr16:23,636,208, G deleted on the plus strand (C on the coding strand, the reverse complement: PALB2 is on the minus strand); the first of 3 consecutive G bases (chr16:23,636,208-23,636,210); deleting any one gives the same sequence. VCF-style (leftmost placement, unchanged base first): chr16-23636207-TG-T. GRCh37 (hg19) VCF-style: chr16-23647528-TG-T.
Other names: c.338delC (NM_024675.3); short protein forms P113fs.
Identifiers: ClinVar variation 530071 (VCV000530071.9), dbSNP rs1555461825, ClinGen allele CA658798564.

ClinVar aggregate classification (germline): Pathogenic (1 of 4 stars; one submission).

Conditions:
Familial cancer of breast. Also called: BREAST CANCER, FAMILIAL; Hereditary breast cancer; hereditary breast carcinoma. Identifiers: Orphanet 227535, MedGen C0346153, MONDO:0016419, OMIM 114480. Disease mechanism: loss of function.

Submission:

Labcorp Genetics (formerly Invitae), Labcorp
Classification: Pathogenic for Familial cancer of breast. Last evaluated: 2024-11-02. Review status: criteria provided, single submitter. Criteria: Invitae Variant Classification Sherloc (09022015). Collection method: clinical testing. Allele origin: germline.
Comment: This sequence change creates a premature translational stop signal (p.Pro113Glnfs*64) in the PALB2 gene. It is expected to result in an absent or disrupted protein product. Loss-of-function variants in PALB2 are known to be pathogenic (PMID: 17200668, 17200671, 17200672, 24136930, 25099575). This variant is not present in population databases (gnomAD no frequency). This variant has not been reported in the literature in individuals affected with PALB2-related conditions. ClinVar contains an entry for this variant (Variation ID: 530071). For these reasons, this variant has been classified as Pathogenic.

Literature cited by the submitters: PubMed 17200668; PubMed 17200671; PubMed 17200672; PubMed 24136930; PubMed 25099575.